The following is an entry in ClinVar:

ClinVar aggregate classification (germline): Pathogenic. Review status: reviewed by expert panel (3 of 4 stars). 5 submissions from 5 submitters: Pathogenic (1). 4 of the submissions do not count toward it. Last evaluated 2016-09-08.

Conditions:
Hereditary cancer-predisposing syndrome. Also called: Hereditary Cancer Syndrome; Hereditary neoplastic syndrome; Neoplastic Syndromes, Hereditary; Tumor predisposition. Identifiers: Orphanet 140162, MedGen C0027672, MeSH D009386, MONDO:0015356.
Hereditary breast ovarian cancer syndrome. Also called: BRCA1- and BRCA2-Associated Hereditary Breast and Ovarian Cancer; Hereditary breast and ovarian cancer syndrome; Hereditary breast and ovarian cancer syndrome (HBOC); Breast and ovarian cancer; Hereditary breast and/or ovarian cancer syndrome; Hereditary breast and ovarian cancer. Identifiers: Orphanet 145, MedGen C0677776, MeSH D061325, MONDO:0003582. Disease mechanism: loss of function.
Breast-ovarian cancer, familial, susceptibility to, 1 (BROVCA1). Also called: BRCA1 Hereditary Breast and Ovarian Cancer; OVARIAN CANCER, SUSCEPTIBILITY TO. Identifiers: Orphanet 145, MedGen C2676676, MONDO:0011450, OMIM 604370. Disease mechanism: loss of function.

Submissions (5):

Evidence-based Network for the Interpretation of Germline Mutant Alleles (ENIGMA)
Classification: Pathogenic for Breast-ovarian cancer, familial, susceptibility to, 1. Last evaluated: 2016-09-08. Review status: reviewed by expert panel. Criteria: ENIGMA BRCA1/2 Classification Criteria (2015). Collection method: curation. Allele origin: germline.
Comment: Variant allele predicted to encode a truncated non-functional protein.

Labcorp Genetics (formerly Invitae), Labcorp
Classification: Pathogenic for Hereditary breast ovarian cancer syndrome. Last evaluated: 2022-06-03. Review status: criteria provided, single submitter. Criteria: Invitae Variant Classification Sherloc (09022015). Collection method: clinical testing. Allele origin: germline. Not counted in ClinVar's aggregate classification.
Comment: For these reasons, this variant has been classified as Pathogenic. This sequence change creates a premature translational stop signal (p.Leu431Tyrfs*10) in the BRCA1 gene. It is expected to result in an absent or disrupted protein product. Loss-of-function variants in BRCA1 are known to be pathogenic (PMID: 20104584). This variant is not present in population databases (gnomAD no frequency). This variant has not been reported in the literature in individuals affected with BRCA1-related conditions. ClinVar contains an entry for this variant (Variation ID: 91543).

Ambry Genetics
Classification: Pathogenic for Hereditary cancer-predisposing syndrome. Last evaluated: 2021-09-03. Review status: criteria provided, single submitter. Criteria: Ambry Variant Classification Scheme 2023. Collection method: clinical testing. Allele origin: germline. Not counted in ClinVar's aggregate classification.
Comment: The c.1292delT pathogenic mutation, located in coding exon 9 of the BRCA1 gene, results from a deletion of one nucleotide at nucleotide position 1292, causing a translational frameshift with a predicted alternate stop codon (p.L431Yfs*10). This variant is considered to be rare based on population cohorts in the Genome Aggregation Database (gnomAD). This alteration is expected to result in loss of function by premature protein truncation or nonsense-mediated mRNA decay. As such, this alteration is interpreted as a disease-causing mutation.

Women's Health and Genetics/Laboratory Corporation of America, LabCorp
Classification: Likely pathogenic for Hereditary breast ovarian cancer syndrome. Last evaluated: 2017-07-24. Review status: criteria provided, single submitter. Criteria: LabCorp Variant Classification Summary - May 2015. Collection method: clinical testing. Allele origin: germline. Not counted in ClinVar's aggregate classification.
Comment: Variant summary: The BRCA1 c.1292delT (p.Leu431Tyrfs) variant results in a premature termination codon, predicted to cause a truncated or absent BRCA1 protein due to nonsense mediated decay, which are commonly known mechanisms for disease. Truncations downstream of this position have been classified as pathogenic by our laboratory (e.g. p.Glu1470X, p.Glu1535X, p.Tyr1703X, etc.). This variant has been reported in multiple individuals undergoing clinical testing of BRCA1/2 by clinical laboratories and during validation of assay methods (van der Stoep_2009, Mattocks_2010). This variant is absent in 121238 control chromosomes from ExAC. In addition, multiple clinical diagnostic laboratories/reputable databases have classified this variant as pathogenic. Taken together, this variant is classified as likely pathogenic.

Sharing Clinical Reports Project (SCRP)
Classification: Pathogenic for Breast-ovarian cancer, familial 1. Last evaluated: 2008-01-24. Review status: no assertion criteria provided. Collection method: clinical testing. Allele origin: germline. Not counted in ClinVar's aggregate classification.

Literature cited by the submitters: PubMed 20104584 (cited by Labcorp Genetics (formerly Invitae), Labcorp); PubMed 23034506 (cited by Ambry Genetics and Women's Health and Genetics/Laboratory Corporation of America, LabCorp); PubMed 31209999 (cited by Ambry Genetics); PubMed 19370767 (cited by Women's Health and Genetics/Laboratory Corporation of America, LabCorp); PubMed 20167696 (cited by Women's Health and Genetics/Laboratory Corporation of America, LabCorp).

NM_007294.4(BRCA1):c.1292del (p.Leu431fs)

Gene: BRCA1 (BRCA1 DNA repair associated; minus strand). Cytogenetic location: 17q21.31.
Variant type: Deletion.
Coding change: c.1292del on transcript NM_007294.4 (MANE Select); coding-DNA position 1292, one base deleted (T; older notation c.1292delT).
Protein change: p.Leu431fs; shifts the reading frame from leucine 431.
Molecular consequence: frameshift variant. On other transcripts: intron variant (137).
Genome position (GRCh38, 1-based): chr17:43,094,239, A deleted on the plus strand (T on the coding strand, the reverse complement: BRCA1 is on the minus strand); the first of 2 consecutive A bases (chr17:43,094,239-43,094,240); deleting either gives the same sequence. VCF-style (leftmost placement, unchanged base first): chr17-43094238-TA-T. GRCh37 (hg19) VCF-style: chr17-41246255-TA-T.
Other names: 1411delT; c.1079del, p.Leu360fs (NM_001407571.1, NM_001407853.1, NM_001407894.1 and 9 more transcripts); c.1292del, p.Leu431fs (NM_001407581.1, NM_001407582.1, NM_001407583.1 and 30 more transcripts); c.1289del, p.Leu430fs (NM_001407587.1, NM_001407590.1, NM_001407591.1 and 22 more transcripts); c.1283del, p.Leu428fs (NM_001407646.1, NM_001407647.1); c.1169del, p.Leu390fs (NM_001407648.1, NM_001407664.1, NM_001407665.1 and 19 more transcripts); c.1166del, p.Leu389fs (NM_001407649.1, NM_001407670.1, NM_001407671.1 and 11 more transcripts); c.1214del, p.Leu405fs (NM_001407653.1, NM_001407654.1, NM_001407655.1 and 4 more transcripts); and 43 more; short protein forms L384fs, L431fs, L263fs, L303fs, L319fs, L320fs, L342fs, L390fs.
Identifiers: ClinVar variation 91543 (VCV000091543.14), dbSNP rs80357528, ClinGen allele CA000844.